The following is an entry in ClinVar:

NM_000059.4(BRCA2):c.4876_4877del (p.Asn1626fs)

Gene: BRCA2 (BRCA2 DNA repair associated; plus strand). Cytogenetic location: 13q13.1.
Variant type: Deletion.
Coding change: c.4876_4877del on transcript NM_000059.4 (MANE Select); coding-DNA positions 4876 to 4877, 2 bases deleted (AA; older notation c.4876_4877delAA).
Protein change: p.Asn1626fs; shifts the reading frame from asparagine 1626.
Molecular consequence: frameshift variant.
Genome position (GRCh38, 1-based): chr13:32,339,231-32,339,232, AA deleted; deleting any 2 consecutive bases within chr13:32,339,229-32,339,232 gives the same sequence; the c. name uses the placement nearest the transcript's 3' end. VCF-style (leftmost placement, unchanged base first): chr13-32339228-GAA-G. GRCh37 (hg19) VCF-style: chr13-32913365-GAA-G.
Other names: 5104delAA; c.4876_4877delAA (NM_000059.3); short protein forms N1626fs.
Identifiers: ClinVar variation 37929 (VCV000037929.49), dbSNP rs80359470, ClinGen allele CA020941.

ClinVar aggregate classification (germline): Pathogenic. Review status: reviewed by expert panel (3 of 4 stars). 24 submissions from 24 submitters: Pathogenic (1). 23 of the submissions do not count toward it. Last evaluated 2016-04-22.

Conditions:
BRCA2-related cancer predisposition. Identifiers: MedGen CN377758, MONDO:0700269.
Hereditary cancer-predisposing syndrome. Also called: Hereditary neoplastic syndrome; Neoplastic Syndromes, Hereditary; Tumor predisposition; Hereditary Cancer Syndrome. Identifiers: Orphanet 140162, MedGen C0027672, MeSH D009386, MONDO:0015356.
Breast and/or ovarian cancer. Identifiers: MedGen CN221562.
Hereditary breast ovarian cancer syndrome. Also called: Breast and ovarian cancer; BRCA1- and BRCA2-Associated Hereditary Breast and Ovarian Cancer; Hereditary breast and/or ovarian cancer syndrome; Hereditary breast and ovarian cancer; Hereditary breast and ovarian cancer syndrome; Hereditary breast and ovarian cancer syndrome (HBOC). Identifiers: Orphanet 145, MedGen C0677776, MeSH D061325, MONDO:0003582. Disease mechanism: loss of function.
Breast-ovarian cancer, familial, susceptibility to, 2 (BROVCA2). Also called: BRCA2 Hereditary Breast and Ovarian Cancer. Identifiers: Orphanet 145, MedGen C2675520, MONDO:0012933, OMIM 612555. Disease mechanism: loss of function.
Familial cancer of breast. Also called: Hereditary breast cancer; BREAST CANCER, FAMILIAL; hereditary breast carcinoma. Identifiers: Orphanet 227535, MedGen C0346153, MONDO:0016419, OMIM 114480. Disease mechanism: loss of function.

Submissions 1 to 5 of 24:

Evidence-based Network for the Interpretation of Germline Mutant Alleles (ENIGMA)
Classification: Pathogenic for Breast-ovarian cancer, familial, susceptibility to, 2. Last evaluated: 2016-04-22. Review status: reviewed by expert panel. Criteria: ENIGMA BRCA1/2 Classification Criteria (2015). Collection method: curation. Allele origin: germline.
Comment: Variant allele predicted to encode a truncated non-functional protein.

Labcorp Genetics (formerly Invitae), Labcorp
Classification: Pathogenic for Hereditary breast ovarian cancer syndrome. Last evaluated: 2025-12-24. Review status: criteria provided, single submitter. Criteria: Invitae Variant Classification Sherloc (09022015). Collection method: clinical testing. Allele origin: germline. Not counted in ClinVar's aggregate classification.
Comment: This sequence change creates a premature translational stop signal (p.Asn1626Serfs*12) in the BRCA2 gene. It is expected to result in an absent or disrupted protein product. Loss-of-function variants in BRCA2 are known to be pathogenic (PMID: 20104584). This variant is present in population databases (rs80359470, gnomAD 0.002%). This premature translational stop signal has been observed in individual(s) with breast, ovarian, and prostate cancer (PMID: 11179017, 21952622, 23524863, 24556621, 26787237, 28008555). This variant is also known as c.4874_4875delAA, 4877delAA, 5102delAA, and 5104delAA. ClinVar contains an entry for this variant (Variation ID: 37929). For these reasons, this variant has been classified as Pathogenic.

ARUP Laboratories, Molecular Genetics and Genomics, ARUP Laboratories
Classification: Pathogenic. Last evaluated: 2025-03-24. Review status: criteria provided, single submitter. Criteria: ARUP Molecular Germline Variant Investigation Process 2024. Collection method: clinical testing. Allele origin: germline. Not counted in ClinVar's aggregate classification.
Comment: The BRCA2 c.4876_4877del; p.Asn1626SerfsTer12 variant (rs80359470, ClinVar Variation ID: 37929) is reported in the literature in several individuals affected with breast, ovarian, or prostate cancer (Flaum 2022, Kote-Jarai 2011, Leongamornlert 2014, Pritzlaff 2017, Risch 2001, Rummel 2017, Susswein 2016). This variant is only observed on two alleles in the Genome Aggregation Database (v2.1.1), indicating it is not a common polymorphism. This variant causes a frameshift by deleting two nucleotides, so it is predicted to result in a truncated protein or mRNA subject to nonsense-mediated decay. Additionally, several downstream truncating variants have been described in individuals with unilateral or contralateral breast cancer and are considered pathogenic (Borg 2010). Based on available information, this variant is considered to be pathogenic. References: Borg A et al. Characterization of BRCA1 and BRCA2 deleterious mutations and variants of unknown clinical significance in unilateral and bilateral breast cancer: the WECARE study. Hum Mutat. 2010 Mar;31(3):E1200-40. PMID: 20104584. Flaum N et al. High detection rate from genetic testing in BRCA-negative women with familial epithelial ovarian cancer. Genet Med. 2022 Dec;24(12):2578-2586. PMID: 36169650. Kote-Jarai Z et al. BRCA2 is a moderate penetrance gene contributing to young-onset prostate cancer: implications for genetic testing in prostate cancer patients. Br J Cancer. 2011 Oct 11;105(8):1230-4. PMID: 21952622. Leongamornlert D et al. Frequent germline deleterious mutations in DNA repair genes in familial prostate cancer cases are associated with advanced disease. Br J Cancer. 2014 Mar 18;110(6):1663-72. PMID: 24556621. Pritzlaff M et al. Male breast cancer in a multi-gene panel testing cohort: insights and unexpected results. Breast Cancer Res Treat. 2017 Feb;161(3):575-586. PMID: 28008555. Risch HA et al. Prevalence and penetrance of germline BRCA1 and BRCA2 mutations in a population series of 649 women with ovarian cancer. Am J Hum Genet. 2001 Mar;68(3):700-10. PMID: 11179017. Rummel SK et al. Contribution of germline mutations in cancer predisposition genes to tumor etiology in young women diagnosed with invasive breast cancer. Breast Cancer Res Treat. 2017 Aug;164(3):593-601. PMID: 28503720. Susswein LR et al. Pathogenic and likely pathogenic variant prevalence among the first 10,000 patients referred for next-generation cancer panel testing. Genet Med. 2016 Aug;18(8):823-32. PMID: 26681312.

Ambry Genetics
Classification: Pathogenic for Hereditary cancer-predisposing syndrome. Last evaluated: 2024-12-27. Review status: criteria provided, single submitter. Criteria: Ambry Variant Classification Scheme 2023. Collection method: clinical testing. Allele origin: germline. Not counted in ClinVar's aggregate classification.
Comment: The c.4876_4877delAA (p.N1626Sfs*12) alteration, located in exon 11 (coding exon 10) of the BRCA2 gene, consists of a deletion of 2 nucleotides from position 4876 to 4877, causing a translational frameshift with a predicted alternate stop codon after 12 amino acids. This alteration is expected to result in loss of function by premature protein truncation or nonsense-mediated mRNA decay. Alteration conclusion: Based on the available evidence, the BRCA2 c.4876_4877delAA (p.N1626Sfs*12) variant is classified as pathogenic; however, because this variant is identified in one or more patients with Fanconi Anemia it may be hypomorphic and thus, carriers of this variant and their families may present with reduced risks, and not with the typical clinical characteristics of a high-risk pathogenic BRCA2 alteration. As risk estimates are unknown at this time, clinical correlation is advised. Based on data from gnomAD, the c.4876_4877delAA allele has an overall frequency of 0.001% (2/249578) total alleles studied. The highest observed frequency was 0.002% (2/112998) of European (non-Finnish) alleles. This variant has been described in multiple families with breast, ovarian, melanoma, and/or prostate cancer (Lubinski, 2004; Audeh, 2010; Zhang, 2011; Sandhu, 2013; Leongamornlert, 2014; Meric-Bernstam, 2016; Rummel, 2017; Na, 2017; Afghahi, 2017; Pritzlaff, 2017; Mijuskovic, 2018; Gr&ouml;bner, 2018; Zafeiriou, 2019; Lovejoy, 2020; Breast Cancer Association, 2021; Lattimore, 2021). This alteration was identified in at least one individual with features consistent of Fanconi Anemia and a second BRCA2 pathogenic variant (Ambry internal data). Of note, this alteration is also designated as 5102delAA, 5104delAA, 4877delAA, c.4876_4877del, and c.4874_4875delAA in published literature. Based on the available evidence, this alteration is classified as pathogenic.

All of Us Research Program, National Institutes of Health
Classification: Pathogenic for BRCA2-related cancer predisposition. Last evaluated: 2024-09-18. Review status: criteria provided, single submitter. Criteria: ACMG Guidelines, 2015. Collection method: clinical testing. Allele origin: germline. Inheritance: Autosomal dominant inheritance. Observed: 6 variant alleles, 6 heterozygotes. Not counted in ClinVar's aggregate classification.
Comment: This variant deletes 2 nucleotides in exon 11 of the BRCA2 gene, creating a frameshift and premature translation stop signal. This variant is also known as 4874_4875delAA, 4877delAA, 5102delAA, and 5104delAA in the literature. This variant is expected to result in an absent or non-functional protein product. This variant has been reported in 7 individuals affected with ovarian cancer (PMID 26681312, 24728189, 22006311, 20609468, 11179017, Color internal data), 7 individuals affected with prostate cancer (PMID: 29915322, 27989354, 24556621, 23524863, 21952622, Color internal data), 5 individuals affected with breast cancer (PMID: 28087643, 28503720, 28008555, 26787237, Color internal data), and 1 individual affected with pancreatic cancer (Color internal data). In a large breast cancer case-control study, this variant was observed in 1/60466 cases and 1/53461 controls (Leiden Open Variation Database DB-ID BRCA2_003713 PMID: 33471991). This variant has been identified in 2/249578 chromosomes in the general population by the Genome Aggregation Database (gnomAD). Loss of BRCA2 function is a known mechanism of disease. Based on the available evidence, this variant is classified as Pathogenic.

This study involves interpretation of variants in research participants for the purpose of population health screening. Participant phenotype was not available at the time of variant classification. Additional details can be found in publication PMID: 35346344, PMCID: PMC8962531